The following is an entry in ClinVar:

ClinVar aggregate classification (germline): Uncertain significance (1 of 4 stars; one submission).

Conditions:
Meckel syndrome, type 11 (MKS11). Identifiers: Orphanet 564, MedGen C3809352, MONDO:0014164, OMIM 615397.
Joubert syndrome 20 (JBTS20). Identifiers: Orphanet 475, MedGen C3554235, MONDO:0013994, OMIM 614970.

Allele frequency attached by ClinVar (database versions not stated): ExAC 0.00006.
gnomAD v4.1: 5 of 1,404,112 alleles (0.00036%); highest among the groups gnomAD compares: South Asian, 0.0016%; no homozygotes.

Submission:

Labcorp Genetics (formerly Invitae), Labcorp
Classification: Uncertain significance for Joubert syndrome 20; Meckel syndrome, type 11. Last evaluated: 2023-08-10. Review status: criteria provided, single submitter. Criteria: Invitae Variant Classification Sherloc (09022015). Collection method: clinical testing. Allele origin: germline.
Comment: ClinVar contains an entry for this variant (Variation ID: 1396710). In summary, the available evidence is currently insufficient to determine the role of this variant in disease. Therefore, it has been classified as a Variant of Uncertain Significance. Experimental studies and prediction algorithms are not available or were not evaluated, and the functional significance of this variant is currently unknown. This sequence change replaces arginine, which is basic and polar, with tryptophan, which is neutral and slightly polar, at codon 19 of the TMEM231 protein (p.Arg19Trp). The frequency data for this variant in the population databases is considered unreliable, as metrics indicate poor data quality at this position in the gnomAD database. This variant has not been reported in the literature in individuals affected with TMEM231-related conditions.

NM_001077418.3(TMEM231):c.-8C>T

Gene: TMEM231 (transmembrane protein 231; minus strand). Cytogenetic location: 16q23.1.
Variant type: single nucleotide variant.
Coding change: c.-8C>T on transcript NM_001077418.3 (MANE Select); 8 bases upstream of the start codon, C replaced by T.
Molecular consequence: 5 prime UTR variant. On other transcripts: missense variant (1), non-coding transcript variant (1).
Genome position (GRCh38, 1-based): chr16:75,556,217, G>A on the plus strand (C>T on the coding strand, the complement: TMEM231 is on the minus strand). VCF-style: chr16-75556217-G-A. GRCh37 (hg19) VCF-style: chr16-75590115-G-A.
Other names: c.55C>T, p.Arg19Trp (NM_001077416.2); short protein forms R19W.
Identifiers: ClinVar variation 1396710 (VCV001396710.6), dbSNP rs780752063, ClinGen allele CA8176325.
Genomic context (GRCh38, chr16:75,556,217, plus strand): 5'-CCCGCGCGGTAACTGCGCTCGACCGGGTGAGAGAAGAGCTCATAGAGCGCCATGAGCACC[G>A]CTCGCAGGCACTCCGCGAGCCGGGGGACCAAGTTTGGCTTCTCCTGGTTGCCATCGCCTC-3'